The following is an entry in ClinVar:

NM_138691.3(TMC1):c.2125_2129+7del

Gene: TMC1 (transmembrane channel like 1; plus strand). Cytogenetic location: 9q21.13.
Variant type: Deletion.
Coding change: c.2125_2129+7del on transcript NM_138691.3 (MANE Select); coding-DNA position 2125 through 7 bases into the intron after coding-DNA position 2129, 12 bases deleted (ATGGTGTATGTG).
Molecular consequence: splice donor variant.
Genome position (GRCh38, 1-based): chr9:72,826,990-72,827,001, ATGGTGTATGTG deleted; deleting any 12 consecutive bases within chr9:72,826,987-72,827,001 gives the same sequence; the c. name uses the placement nearest the transcript's 3' end. VCF-style (leftmost placement, unchanged base first): chr9-72826986-GGTGATGGTGTAT-G. GRCh37 (hg19) VCF-style: chr9-75441902-GGTGATGGTGTAT-G.
Identifiers: ClinVar variation 3601901 (VCV003601901.1).

ClinVar aggregate classification (germline): Pathogenic (1 of 4 stars; one submission).

Conditions:
Autosomal recessive nonsyndromic hearing loss 7. Also called: DEAFNESS, AUTOSOMAL RECESSIVE 11. Identifiers: Orphanet 90636, MedGen C1832978, MONDO:0010967, OMIM 600974.

Submission:

Institute of Rare Diseases, West China Hospital, Sichuan University
Classification: Pathogenic for Autosomal recessive nonsyndromic hearing loss 7. Last evaluated: 2025-01-09. Review status: criteria provided, single submitter. Criteria: ClinGen HL ACMG Specifications v1. Collection method: research. Allele origin: germline. Affected: yes.
Comment: PVS1;PM3;PM2_Supporting